The following is an entry in ClinVar:

ClinVar aggregate classification (germline): Uncertain significance (1 of 4 stars; one submission).

Conditions:
Distal hereditary motor neuropathy type 2. Identifiers: Orphanet 139525, MedGen C3711384, MeSH C580044, MONDO:0015352.

Allele frequency attached by ClinVar (database versions not stated): gnomAD exomes 0.00001.
gnomAD v4.1: 5 of 1,612,992 alleles (0.00031%); highest among the groups gnomAD compares: Non-Finnish European, 0.00042%; no homozygotes.

Submission:

Labcorp Genetics (formerly Invitae), Labcorp
Classification: Uncertain significance for Distal hereditary motor neuropathy type 2. Last evaluated: 2022-05-09. Review status: criteria provided, single submitter. Criteria: Invitae Variant Classification Sherloc (09022015). Collection method: clinical testing. Allele origin: germline.
Comment: This sequence change replaces glutamic acid, which is acidic and polar, with glycine, which is neutral and non-polar, at codon 397 of the FBXO38 protein (p.Glu397Gly). In summary, the available evidence is currently insufficient to determine the role of this variant in disease. Therefore, it has been classified as a Variant of Uncertain Significance. This variant is not present in population databases (gnomAD no frequency). This variant has not been reported in the literature in individuals affected with FBXO38-related conditions. Algorithms developed to predict the effect of missense changes on protein structure and function are either unavailable or do not agree on the potential impact of this missense change (SIFT: "Deleterious"; PolyPhen-2: "Benign"; Align-GVGD: "Class C0").

NM_205836.3(FBXO38):c.1190A>G (p.Glu397Gly)

Gene: FBXO38 (F-box protein 38; plus strand). Cytogenetic location: 5q32.
Variant type: single nucleotide variant.
Coding change: c.1190A>G on transcript NM_205836.3 (MANE Select); coding-DNA position 1190, A replaced by G.
Protein change: p.Glu397Gly; replaces glutamic acid 397 with glycine.
Molecular consequence: missense variant.
Genome position (GRCh38, 1-based): chr5:148,414,232, A>G. VCF-style: chr5-148414232-A-G. GRCh37 (hg19) VCF-style: chr5-147793795-A-G.
Other names: c.1190A>G, p.Glu397Gly (NM_001271723.2, NM_030793.5); short protein forms E397G.
Identifiers: ClinVar variation 2146868 (VCV002146868.4), dbSNP rs1434711875, ClinGen allele CA361658770.